The following is an entry in ClinVar:

ClinVar aggregate classification (germline): Uncertain significance (1 of 4 stars; one submission).

Conditions:
Autosomal recessive limb-girdle muscular dystrophy type 2A (LGMDR1). Also called: LEYDEN-MOEBIUS MUSCULAR DYSTROPHY; MUSCULAR DYSTROPHY, PELVOFEMORAL; Muscular dystrophy, limb-girdle, type 2A, Amish; Limb-girdle muscular dystrophy, type 2A; Calpainopathy. Identifiers: Orphanet 267, MedGen C1869123, MONDO:0009675, OMIM 253600. Disease mechanism: loss of function.

Allele frequency attached by ClinVar (database versions not stated): gnomAD exomes below 0.00001.
gnomAD v4.1: 2 of 1,614,158 alleles (0.00012%); highest among the groups gnomAD compares: South Asian, 0.0011%; no homozygotes.

Submission:

Labcorp Genetics (formerly Invitae), Labcorp
Classification: Uncertain significance for Autosomal recessive limb-girdle muscular dystrophy type 2A. Last evaluated: 2022-02-23. Review status: criteria provided, single submitter. Criteria: Invitae Variant Classification Sherloc (09022015). Collection method: clinical testing. Allele origin: germline.
Comment: This sequence change replaces isoleucine, which is neutral and non-polar, with threonine, which is neutral and polar, at codon 661 of the CAPN3 protein (p.Ile661Thr). This variant is not present in population databases (gnomAD no frequency). This variant has not been reported in the literature in individuals affected with CAPN3-related conditions. Algorithms developed to predict the effect of missense changes on protein structure and function (SIFT, PolyPhen-2, Align-GVGD) all suggest that this variant is likely to be disruptive. In summary, the available evidence is currently insufficient to determine the role of this variant in disease. Therefore, it has been classified as a Variant of Uncertain Significance.

NM_000070.3(CAPN3):c.1982T>C (p.Ile661Thr)

Gene: CAPN3 (calpain 3; plus strand). Cytogenetic location: 15q15.1.
Variant type: single nucleotide variant.
Coding change: c.1982T>C on transcript NM_000070.3 (MANE Select); coding-DNA position 1982, T replaced by C.
Protein change: p.Ile661Thr; replaces isoleucine 661 with threonine.
Molecular consequence: missense variant. On other transcripts: 5 prime UTR variant (2).
Genome position (GRCh38, 1-based): chr15:42,409,370, T>C. VCF-style: chr15-42409370-T-C. GRCh37 (hg19) VCF-style: chr15-42701568-T-C.
Other names: c.1964T>C, p.Ile655Thr (NM_024344.2); c.1706T>C, p.Ile569Thr (NM_173087.2); c.446T>C, p.Ile149Thr (NM_173088.2); c.-14T>C (NM_173089.2, NM_173090.2); c.*1080T>C (NM_212464.2); c.*1657T>C (NM_212467.2); short protein forms I569T, I655T, I661T, I149T.
Identifiers: ClinVar variation 2041660 (VCV002041660.1), dbSNP rs2141219945, ClinGen allele CA392001286.